The following is an entry in ClinVar:

NM_000092.5(COL4A4):c.3368C>T (p.Pro1123Leu)

Gene: COL4A4 (collagen type IV alpha 4 chain; minus strand). Cytogenetic location: 2q36.3.
Variant type: single nucleotide variant.
Coding change: c.3368C>T on transcript NM_000092.5 (MANE Select); coding-DNA position 3368, C replaced by T.
Protein change: p.Pro1123Leu; replaces proline 1123 with leucine.
Molecular consequence: missense variant.
Genome position (GRCh38, 1-based): chr2:227,043,106, G>A on the plus strand (C>T on the coding strand, the complement: COL4A4 is on the minus strand). VCF-style: chr2-227043106-G-A. GRCh37 (hg19) VCF-style: chr2-227907822-G-A.
Other names: short protein forms P1123L.
Identifiers: ClinVar variation 3699861 (VCV003699861.2).
Genomic context (GRCh38, chr2:227,043,106, plus strand): 5'-CAGGAAGTCTCCAGATTTCCTTTCAAGGTACCTGGGCACCCTGGTGGTCCAGAGGAGCCA[G>A]GTGGCCCTGGCCTTCCAGGTGATCCTCTGGGCCCTTGAATACCAGGCAAGCCCTGCTCTC-3'
Protein context (NP_000083.3, residues 1113-1133): PRGSPGRPGP[Pro1123Leu]GSSGPPGCPG

ClinVar aggregate classification (germline): Uncertain significance (1 of 4 stars; one submission).

gnomAD v4.1: 3 of 1,613,824 alleles (0.00019%); highest among the groups gnomAD compares: Non-Finnish European, 0.00025%; no homozygotes.

Submission:

Labcorp Genetics (formerly Invitae), Labcorp
Classification: Uncertain significance. Last evaluated: 2024-12-14. Review status: criteria provided, single submitter. Criteria: Invitae Variant Classification Sherloc (09022015). Collection method: clinical testing. Allele origin: germline.
Comment: This sequence change replaces proline, which is neutral and non-polar, with leucine, which is neutral and non-polar, at codon 1123 of the COL4A4 protein (p.Pro1123Leu). This variant is present in population databases (rs753264064, gnomAD 0.0009%). This variant has not been reported in the literature in individuals affected with COL4A4-related conditions. Invitae Evidence Modeling of protein sequence and biophysical properties (such as structural, functional, and spatial information, amino acid conservation, physicochemical variation, residue mobility, and thermodynamic stability) has been performed for this missense variant. However, the output from this modeling did not meet the statistical confidence thresholds required to predict the impact of this variant on COL4A4 protein function. In summary, the available evidence is currently insufficient to determine the role of this variant in disease. Therefore, it has been classified as a Variant of Uncertain Significance.